The following is an entry in ClinVar:

ClinVar aggregate classification (germline): Conflicting classifications of pathogenicity. Review status: criteria provided, conflicting classifications (1 of 4 stars). 4 submissions from 4 submitters: Likely pathogenic (3); Uncertain significance (1). Last evaluated 2026-02-23.

Conditions:
Autosomal recessive nonsyndromic hearing loss 77. Identifiers: Orphanet 90636, MedGen C2746083, MONDO:0013119, OMIM 613079.

Allele frequency attached by ClinVar (database versions not stated): TOPMed below 0.00001; gnomAD 0.00001.

Submissions (4):

Myriad Genetics, Inc.
Classification: Uncertain significance for Autosomal recessive nonsyndromic hearing loss 77. Last evaluated: 2026-02-23. Review status: criteria provided, single submitter. Criteria: Myriad Autosomal Dominant, Autosomal Recessive and X-Linked Classification Criteria (2023). Collection method: clinical testing. Allele origin: unknown.
Comment: NM_144612.6(LOXHD1):c.4531-2A>G is a variant in a canonical splice site classified as a variant of uncertain significance in the context of nonsyndromic hearing loss, LOXHD1-related. c.4531-2A>G has not been observed in cases with relevant disease. Relevant functional assessments of this variant are not available in the literature. c.4531-2A>G has been observed in referenced population frequency databases. In summary, there is insufficient evidence to classify NM_144612.6(LOXHD1):c.4531-2A>G as pathogenic or benign. Please note: this variant was assessed in the context of healthy population screening.

Fulgent Genetics
Classification: Likely pathogenic for Autosomal recessive nonsyndromic hearing loss 77. Last evaluated: 2024-02-05. Review status: criteria provided, single submitter. Criteria: ACMG Guidelines, 2015. Collection method: clinical testing. Allele origin: germline.

Labcorp Genetics (formerly Invitae), Labcorp
Classification: Likely pathogenic. Last evaluated: 2024-02-05. Review status: criteria provided, single submitter. Criteria: Invitae Variant Classification Sherloc (09022015). Collection method: clinical testing. Allele origin: germline.
Comment: This sequence change affects an acceptor splice site in intron 29 of the LOXHD1 gene. It is expected to disrupt RNA splicing. Variants that disrupt the donor or acceptor splice site typically lead to a loss of protein function (PMID: 16199547), and loss-of-function variants in LOXHD1 are known to be pathogenic (PMID: 19732867, 21465660, 25792669). This variant is present in population databases (no rsID available, gnomAD 0.004%). This variant has not been reported in the literature in individuals affected with LOXHD1-related conditions. ClinVar contains an entry for this variant (Variation ID: 844654). Algorithms developed to predict the effect of sequence changes on RNA splicing suggest that this variant may disrupt the consensus splice site. In summary, the currently available evidence indicates that the variant is pathogenic, but additional data are needed to prove that conclusively. Therefore, this variant has been classified as Likely Pathogenic.

Revvity Omics, Revvity
Classification: Likely pathogenic for Autosomal recessive nonsyndromic hearing loss 77. Last evaluated: 2022-06-25. Review status: criteria provided, single submitter. Criteria: ACMG Guidelines, 2015. Collection method: clinical testing. Allele origin: germline.

Literature cited by the submitters: PubMed 16199547 (cited by Labcorp Genetics (formerly Invitae), Labcorp); PubMed 19732867 (cited by Labcorp Genetics (formerly Invitae), Labcorp); PubMed 21465660 (cited by Labcorp Genetics (formerly Invitae), Labcorp); PubMed 25792669 (cited by Labcorp Genetics (formerly Invitae), Labcorp).

NM_001384474.1(LOXHD1):c.4531-2A>G

Gene: LOXHD1 (lipoxygenase homology PLAT domains 1; minus strand). Cytogenetic location: 18q21.1.
Variant type: single nucleotide variant.
Coding change: c.4531-2A>G on transcript NM_001384474.1 (MANE Select); the canonical splice acceptor site of the intron before coding-DNA position 4531, A replaced by G.
Molecular consequence: splice acceptor variant.
Genome position (GRCh38, 1-based): chr18:46,524,919, T>C on the plus strand (A>G on the coding strand, the complement: LOXHD1 is on the minus strand). VCF-style: chr18-46524919-T-C. GRCh37 (hg19) VCF-style: chr18-44104882-T-C.
Other names: c.1198-2A>G (NM_001145472.3); c.910-2A>G (NM_001308013.2); c.4531-2A>G (NM_144612.7).
Identifiers: ClinVar variation 844654 (VCV000844654.16), dbSNP rs951333133, ClinGen allele CA299801870.
Genomic context (GRCh38, chr18:46,524,919, plus strand): 5'-CGGAGCTTGATCTTGTAGATGACGCCTAGGTCAGCGGCCTCGATGATGAAGGTGTCAGCC[T>C]GGGGAGCCCAGATGTGGGGACTCATATGGGGGTGTGCCACCCACTCAACCCACTCCAGCC-3'